The following is an entry in ClinVar:

NM_015662.3(IFT172):c.682A>C (p.Met228Leu)

Gene: IFT172 (intraflagellar transport 172; minus strand). Cytogenetic location: 2p23.3.
Variant type: single nucleotide variant.
Coding change: c.682A>C on transcript NM_015662.3 (MANE Select); coding-DNA position 682, A replaced by C.
Protein change: p.Met228Leu; replaces methionine 228 with leucine.
Molecular consequence: missense variant.
Genome position (GRCh38, 1-based): chr2:27,481,149, T>G on the plus strand (A>C on the coding strand, the complement: IFT172 is on the minus strand). VCF-style: chr2-27481149-T-G. GRCh37 (hg19) VCF-style: chr2-27704016-T-G.
Other names: c.682A>C, p.Met228Leu (NM_001410739.1); short protein forms M228L.
Identifiers: ClinVar variation 2190943 (VCV002190943.4), dbSNP rs373455739, ClinGen allele CA44516221.

ClinVar aggregate classification (germline): Uncertain significance (1 of 4 stars; one submission).

Conditions:
Short-rib thoracic dysplasia 10 with or without polydactyly (SRTD10). Identifiers: Orphanet 474, MedGen C3810175, MONDO:0014284, OMIM 615630.
Retinitis pigmentosa 71 (RP71). Identifiers: Orphanet 791, MedGen C4225342, MONDO:0014618, OMIM 616394.

Allele frequency attached by ClinVar (database versions not stated): gnomAD 0.00001; ESP Exome Variant Server 0.00008.
gnomAD v4.1: 1 of 1,613,744 alleles (0.000062%); highest among the groups gnomAD compares: African/African-American, 0.0013%; no homozygotes.

Submission:

Labcorp Genetics (formerly Invitae), Labcorp
Classification: Uncertain significance for Retinitis pigmentosa 71; Short-rib thoracic dysplasia 10 with or without polydactyly. Last evaluated: 2025-02-10. Review status: criteria provided, single submitter. Criteria: Invitae Variant Classification Sherloc (09022015). Collection method: clinical testing. Allele origin: germline.
Comment: This sequence change replaces methionine, which is neutral and non-polar, with leucine, which is neutral and non-polar, at codon 228 of the IFT172 protein (p.Met228Leu). This variant is present in population databases (rs373455739, gnomAD 0.007%). This variant has not been reported in the literature in individuals affected with IFT172-related conditions. ClinVar contains an entry for this variant (Variation ID: 2190943). Invitae Evidence Modeling of protein sequence and biophysical properties (such as structural, functional, and spatial information, amino acid conservation, physicochemical variation, residue mobility, and thermodynamic stability) indicates that this missense variant is not expected to disrupt IFT172 protein function with a negative predictive value of 95%. In summary, the available evidence is currently insufficient to determine the role of this variant in disease. Therefore, it has been classified as a Variant of Uncertain Significance.